The following is an entry in ClinVar:

NM_000143.4(FH):c.133-3T>C

Gene: FH (fumarate hydratase; minus strand). Cytogenetic location: 1q43.
Variant type: single nucleotide variant.
Coding change: c.133-3T>C on transcript NM_000143.4 (MANE Select); 3 bases into the intron before coding-DNA position 133, T replaced by C.
Molecular consequence: intron variant.
Genome position (GRCh38, 1-based): chr1:241,517,319, A>G on the plus strand (T>C on the coding strand, the complement: FH is on the minus strand). VCF-style: chr1-241517319-A-G. GRCh37 (hg19) VCF-style: chr1-241680619-A-G.
Identifiers: ClinVar variation 515546 (VCV000515546.15), dbSNP rs1553341989, ClinGen allele CA658795649.
Genomic context (GRCh38, chr1:241,517,319, plus strand): 5'-TTGGCACCTTTAGTTCACCAAAGGTATCATATTCTATCCGGAAGGAATTTTGGCTTGCCT[A>G]AAGACAAGAATACAACACTATTACAAGTTGAAAAGAAACCCAGGATCAAAAGTAATCGCA-3'

ClinVar aggregate classification (germline): Conflicting classifications of pathogenicity. Review status: criteria provided, conflicting classifications (1 of 4 stars). 4 submissions from 4 submitters: Uncertain significance (1); Likely benign (3). Last evaluated 2025-07-02.

Conditions:
Hereditary leiomyomatosis and renal cell cancer. Also called: FH tumor predisposition syndrome; Multiple cutaneous leiomyomas; MULTIPLE CUTANEOUS AND UTERINE LEIOMYOMATA 1, WITH OR WITHOUT RENAL CELL CARCINOMA; Reed syndrome; Multiple cutaneous and uterine leiomyomatosis; Cutaneous leiomyomata with uterine leiomyomata. Identifiers: Orphanet 523, MedGen C1708350, MONDO:0007888, OMIM 150800, HP:0007437. Disease mechanism: loss of function.
Hereditary cancer-predisposing syndrome. Also called: Tumor predisposition; Hereditary neoplastic syndrome; Hereditary Cancer Syndrome; Neoplastic Syndromes, Hereditary. Identifiers: Orphanet 140162, MedGen C0027672, MeSH D009386, MONDO:0015356.

Allele frequency attached by ClinVar (database versions not stated): gnomAD 0.00001.
gnomAD v4.1: 2 of 1,613,898 alleles (0.00012%); highest among the groups gnomAD compares: African/African-American, 0.0013%; no homozygotes.

Submissions (4):

Labcorp Genetics (formerly Invitae), Labcorp
Classification: Likely benign. Last evaluated: 2025-07-02. Review status: criteria provided, single submitter. Criteria: Invitae Variant Classification Sherloc (09022015). Collection method: clinical testing. Allele origin: germline.

Myriad Genetics, Inc.
Classification: Likely benign for Hereditary leiomyomatosis and renal cell cancer. Last evaluated: 2024-10-17. Review status: criteria provided, single submitter. Criteria: Myriad Autosomal Dominant, Autosomal Recessive and X-Linked Classification Criteria (2023). Collection method: clinical testing. Allele origin: unknown.
Comment: This variant is considered likely benign. This variant is intronic and is not expected to impact mRNA splicing.

Ambry Genetics
Classification: Uncertain significance for Hereditary cancer-predisposing syndrome. Last evaluated: 2024-10-02. Review status: criteria provided, single submitter. Criteria: Ambry Variant Classification Scheme 2023. Collection method: clinical testing. Allele origin: germline.
Comment: The c.133-3T>C intronic variant results from a T to C substitution 3 nucleotides upstream from coding exon 2 in the FH gene. This nucleotide position is not well conserved in available vertebrate species. In silico splice site analysis predicts that this alteration will not have any significant effect on splicing; however, direct evidence is insufficient (Ambry internal data). Since supporting evidence is limited at this time, the clinical significance of this alteration remains unclear.

GeneDx
Classification: Likely benign. Last evaluated: 2021-04-19. Review status: criteria provided, single submitter. Criteria: GeneDx Variant Classification Process June 2021. Collection method: clinical testing. Allele origin: germline. Affected: yes.